The following is an entry in ClinVar:

ClinVar aggregate classification (germline): Likely benign. Review status: criteria provided, multiple submitters, no conflicts (2 of 4 stars). 3 submissions from 3 submitters: Likely benign (3). Last evaluated 2025-02-06.

Conditions:
PCNT-related disorder. Also called: PCNT-related condition.

Allele frequency attached by ClinVar (database versions not stated): TOPMed below 0.00001; gnomAD exomes 0.00001.
gnomAD v4.1: 28 of 1,571,136 alleles (0.0018%); highest among the groups gnomAD compares: African/African-American, 0.004%; no homozygotes.

Submissions (3):

PreventionGenetics, part of Exact Sciences
Classification: Likely benign for PCNT-related condition. Last evaluated: 2025-02-06. Review status: criteria provided, single submitter. Criteria: ACMG Guidelines, 2015. Collection method: clinical testing. Allele origin: germline.
Comment: This variant is classified as likely benign based on ACMG/AMP sequence variant interpretation guidelines (Richards et al. 2015 PMID: 25741868, with internal and published modifications).

Labcorp Genetics (formerly Invitae), Labcorp
Classification: Likely benign. Last evaluated: 2024-03-06. Review status: criteria provided, single submitter. Criteria: Invitae Variant Classification Sherloc (09022015). Collection method: clinical testing. Allele origin: germline.

GeneDx
Classification: Likely benign. Last evaluated: 2017-11-28. Review status: criteria provided, single submitter. Criteria: GeneDx Variant Classification (06012015). Collection method: clinical testing. Allele origin: germline. Affected: yes.
Comment: This variant is considered likely benign or benign based on one or more of the following criteria: it is a conservative change, it occurs at a poorly conserved position in the protein, it is predicted to be benign by multiple in silico algorithms, and/or has population frequency not consistent with disease.

NM_006031.6(PCNT):c.4143G>A (p.Ala1381=)

Gene: PCNT (pericentrin; plus strand). Cytogenetic location: 21q22.3.
Variant type: single nucleotide variant.
Coding change: c.4143G>A on transcript NM_006031.6 (MANE Select); coding-DNA position 4143, G replaced by A.
Protein change: p.Ala1381=; no amino-acid change (alanine 1381 retained).
Molecular consequence: synonymous variant.
Genome position (GRCh38, 1-based): chr21:46,391,303, G>A. VCF-style: chr21-46391303-G-A. GRCh37 (hg19) VCF-style: chr21-47811218-G-A.
Other names: c.3789G>A, p.Ala1263= (NM_001315529.2).
Identifiers: ClinVar variation 513756 (VCV000513756.5), dbSNP rs111697920, ClinGen allele CA322031188.